The following is an entry in ClinVar:

NM_021167.5(GATAD1):c.539A>T (p.Glu180Val)

Gene: GATAD1 (GATA zinc finger domain containing 1; plus strand). Cytogenetic location: 7q21.2.
Variant type: single nucleotide variant.
Coding change: c.539A>T on transcript NM_021167.5 (MANE Select); coding-DNA position 539, A replaced by T.
Protein change: p.Glu180Val; replaces glutamic acid 180 with valine.
Molecular consequence: missense variant. On other transcripts: non-coding transcript variant (1).
Genome position (GRCh38, 1-based): chr7:92,454,605, A>T. VCF-style: chr7-92454605-A-T. GRCh37 (hg19) VCF-style: chr7-92083919-A-T.
Other names: short protein forms E180V.
Identifiers: ClinVar variation 639273 (VCV000639273.10), dbSNP rs764831879, ClinGen allele CA4340320.

ClinVar aggregate classification (germline): Uncertain significance. Review status: criteria provided, multiple submitters, no conflicts (2 of 4 stars). 2 submissions from 2 submitters: Uncertain significance (2). Last evaluated 2024-03-16.

Conditions:
Cardiovascular phenotype. Identifiers: MedGen CN230736.
Dilated cardiomyopathy 2B. Identifiers: Orphanet 154, MedGen C3553409, MONDO:0013848, OMIM 614672.

Allele frequency attached by ClinVar (database versions not stated): ExAC 0.00002; gnomAD exomes 0.00002 and 0.00003; TOPMed 0.00002; gnomAD 0.00003.
gnomAD v4.1: 50 of 1,613,216 alleles (0.0031%); highest among the groups gnomAD compares: Non-Finnish European, 0.004%; no homozygotes.

Submissions (2):

Ambry Genetics
Classification: Uncertain significance for Cardiovascular phenotype. Last evaluated: 2024-03-16. Review status: criteria provided, single submitter. Criteria: Ambry Variant Classification Scheme 2023. Collection method: clinical testing. Allele origin: germline.
Comment: The p.E180V variant (also known as c.539A>T), located in coding exon 4 of the GATAD1 gene, results from an A to T substitution at nucleotide position 539. The glutamic acid at codon 180 is replaced by valine, an amino acid with dissimilar properties. This amino acid position is highly conserved in available vertebrate species. In addition, this alteration is predicted to be deleterious by in silico analysis. Since supporting evidence is limited at this time, the clinical significance of this alteration remains unclear.

Labcorp Genetics (formerly Invitae), Labcorp
Classification: Uncertain significance for Dilated cardiomyopathy 2B. Last evaluated: 2024-03-06. Review status: criteria provided, single submitter. Criteria: Invitae Variant Classification Sherloc (09022015). Collection method: clinical testing. Allele origin: germline.
Comment: This sequence change replaces glutamic acid, which is acidic and polar, with valine, which is neutral and non-polar, at codon 180 of the GATAD1 protein (p.Glu180Val). This variant is present in population databases (rs764831879, gnomAD 0.004%). This variant has not been reported in the literature in individuals affected with GATAD1-related conditions. ClinVar contains an entry for this variant (Variation ID: 639273). Advanced modeling of protein sequence and biophysical properties (such as structural, functional, and spatial information, amino acid conservation, physicochemical variation, residue mobility, and thermodynamic stability) has been performed at Invitae for this missense variant, however the output from this modeling did not meet the statistical confidence thresholds required to predict the impact of this variant on GATAD1 protein function. In summary, the available evidence is currently insufficient to determine the role of this variant in disease. Therefore, it has been classified as a Variant of Uncertain Significance.